The following is an entry in ClinVar:

ClinVar aggregate classification (germline): Uncertain significance (1 of 4 stars; one submission).

Submission:

Ambry Genetics
Classification: Uncertain significance. Last evaluated: 2024-05-31. Review status: criteria provided, single submitter. Criteria: Ambry Variant Classification Scheme 2023. Collection method: clinical testing. Allele origin: germline.
Comment: The p.K1776N variant (also known as c.5328G>C), located in coding exon 4 of the ALPK2 gene, results from a G to C substitution at nucleotide position 5328. The lysine at codon 1776 is replaced by asparagine, an amino acid with similar properties. This amino acid position is conserved. In addition, this alteration is predicted to be tolerated by in silico analysis. Since supporting evidence is limited at this time, the clinical significance of this alteration remains unclear.

NM_052947.4(ALPK2):c.5328G>C (p.Lys1776Asn)

Genes: ALPK2 (alpha kinase 2; minus strand), LOC130062577 (ATAC-STARR-seq lymphoblastoid active region 13389; plus strand). Cytogenetic location: 18q21.31.
Variant type: single nucleotide variant.
Coding change: c.5328G>C on transcript NM_052947.4 (MANE Select); coding-DNA position 5328, G replaced by C.
Protein change: p.Lys1776Asn; replaces lysine 1776 with asparagine.
Molecular consequence: missense variant.
Genome position (GRCh38, 1-based): chr18:58,534,859, C>G on the plus strand (G>C on the coding strand, the complement: ALPK2 is on the minus strand). VCF-style: chr18-58534859-C-G. GRCh37 (hg19) VCF-style: chr18-56202091-C-G.
Other names: short protein forms K1776N.
Identifiers: ClinVar variation 1746852 (VCV001746852.3), dbSNP rs200361552, ClinGen allele CA402557013.
Genomic context (GRCh38, chr18:58,534,859, plus strand): 5'-AACTTTAACAATGATGGACAGCAACAGAACCTCACCTCTTCCTTCTCTTTTGCAAGATGG[C>G]TTTTTTGGGTCTTGTTTCTCTTCTGTGTGTGATAATGATGTTTCGAGTTTGGGCATCTTT-3'
Protein context (NP_443179.3, residues 1766-1786): SHTEEKQDPK[Lys1776Asn]PSCKREGRAP